The following is an entry in ClinVar:

ClinVar aggregate classification (germline): Uncertain significance. Review status: criteria provided, multiple submitters, no conflicts (2 of 4 stars). 2 submissions from 2 submitters: Uncertain significance (2). Last evaluated 2024-01-08.

Allele frequency attached by ClinVar (database versions not stated): gnomAD exomes 0.00001; gnomAD 0.00003; ExAC 0.00006; TOPMed 0.00006; 1000 Genomes Project 30x 0.00031; 1000 Genomes Project 0.00040.
gnomAD v4.1: 22 of 1,548,612 alleles (0.0014%); highest among the groups gnomAD compares: African/African-American, 0.0068%; no homozygotes.

Submissions (2):

Ambry Genetics
Classification: Uncertain significance. Last evaluated: 2024-01-08. Review status: criteria provided, single submitter. Criteria: Ambry Variant Classification Scheme 2023. Collection method: clinical testing. Allele origin: germline.

Labcorp Genetics (formerly Invitae), Labcorp
Classification: Uncertain significance. Last evaluated: 2022-06-14. Review status: criteria provided, single submitter. Criteria: Invitae Variant Classification Sherloc (09022015). Collection method: clinical testing. Allele origin: germline.
Comment: This sequence change replaces glycine, which is neutral and non-polar, with arginine, which is basic and polar, at codon 900 of the CTDP1 protein (p.Gly900Arg). This variant is present in population databases (rs540288517, gnomAD 0.004%). This variant has not been reported in the literature in individuals affected with CTDP1-related conditions. Algorithms developed to predict the effect of missense changes on protein structure and function output the following: SIFT: "Tolerated"; PolyPhen-2: "Benign"; Align-GVGD: "Class C0". The arginine amino acid residue is found in multiple mammalian species, which suggests that this missense change does not adversely affect protein function. In summary, the available evidence is currently insufficient to determine the role of this variant in disease. Therefore, it has been classified as a Variant of Uncertain Significance.

NM_004715.5(CTDP1):c.2698G>A (p.Gly900Arg)

Gene: CTDP1 (CTD phosphatase subunit 1; plus strand). Cytogenetic location: 18q23.
Variant type: single nucleotide variant.
Coding change: c.2698G>A on transcript NM_004715.5 (MANE Select); coding-DNA position 2698, G replaced by A.
Protein change: p.Gly900Arg; replaces glycine 900 with arginine.
Molecular consequence: missense variant. On other transcripts: synonymous variant (1), intron variant (1).
Genome position (GRCh38, 1-based): chr18:79,736,472, G>A. VCF-style: chr18-79736472-G-A. GRCh37 (hg19) VCF-style: chr18-77496472-G-A.
Other names: c.2341G>A, p.Gly781Arg (NM_001202504.1); c.2535G>A, p.Ser845= (NM_048368.4); c.2580+7403G>A (NM_001318511.2); short protein forms G781R, G900R.
Identifiers: ClinVar variation 1974099 (VCV001974099.3), dbSNP rs540288517, ClinGen allele CA9010678.